The following is an entry in ClinVar:

ClinVar aggregate classification (germline): Uncertain significance. Review status: criteria provided, multiple submitters, no conflicts (2 of 4 stars). 2 submissions from 2 submitters: Uncertain significance (2). Last evaluated 2025-12-15.

Allele frequency attached by ClinVar (database versions not stated): gnomAD exomes 0.00002 and 0.00004; ExAC 0.00005; ESP Exome Variant Server 0.00015; 1000 Genomes Project 30x 0.00016; 1000 Genomes Project 0.00020.
gnomAD v4.1: 55 of 1,614,156 alleles (0.0034%); highest among the groups gnomAD compares: African/African-American, 0.069%; no homozygotes.

Submissions (2):

Labcorp Genetics (formerly Invitae), Labcorp
Classification: Uncertain significance. Last evaluated: 2025-12-15. Review status: criteria provided, single submitter. Criteria: Invitae Variant Classification Sherloc (09022015). Collection method: clinical testing. Allele origin: germline.
Comment: This sequence change replaces phenylalanine, which is neutral and non-polar, with leucine, which is neutral and non-polar, at codon 1439 of the ADCY10 protein (p.Phe1439Leu). This variant is present in population databases (rs200807095, gnomAD 0.07%), and has an allele count higher than expected for a pathogenic variant. This variant has not been reported in the literature in individuals affected with ADCY10-related conditions. ClinVar contains an entry for this variant (Variation ID: 1443822). An algorithm developed to predict the effect of missense changes on protein structure and function (PolyPhen-2) suggests that this variant is likely to be disruptive. In summary, the available evidence is currently insufficient to determine the role of this variant in disease. Therefore, it has been classified as a Variant of Uncertain Significance.

Ambry Genetics
Classification: Uncertain significance. Last evaluated: 2022-11-08. Review status: criteria provided, single submitter. Criteria: Ambry Variant Classification Scheme 2023. Collection method: clinical testing. Allele origin: germline.

NM_018417.6(ADCY10):c.4317T>A (p.Phe1439Leu)

Gene: ADCY10 (adenylate cyclase 10; minus strand). Cytogenetic location: 1q24.2.
Variant type: single nucleotide variant.
Coding change: c.4317T>A on transcript NM_018417.6 (MANE Select); coding-DNA position 4317, T replaced by A.
Protein change: p.Phe1439Leu; replaces phenylalanine 1439 with leucine.
Molecular consequence: missense variant.
Genome position (GRCh38, 1-based): chr1:167,818,237, A>T on the plus strand (T>A on the coding strand, the complement: ADCY10 is on the minus strand). VCF-style: chr1-167818237-A-T. GRCh37 (hg19) VCF-style: chr1-167787475-A-T.
Other names: c.3858T>A, p.Phe1286Leu (NM_001167749.3); c.4041T>A, p.Phe1347Leu (NM_001297772.2); c.4317T>A (NM_018417.4); short protein forms F1286L, F1347L, F1439L.
Identifiers: ClinVar variation 1443822 (VCV001443822.7), dbSNP rs200807095, ClinGen allele CA1227052.